The following is an entry in ClinVar:

NM_001042492.3(NF1):c.1779del (p.Ser593fs)

Gene: NF1 (neurofibromin 1; plus strand). Cytogenetic location: 17q11.2.
Variant type: Deletion.
Coding change: c.1779del on transcript NM_001042492.3 (MANE Select); coding-DNA position 1779, one base deleted (C; older notation c.1779delC).
Protein change: p.Ser593fs; shifts the reading frame from serine 593.
Molecular consequence: frameshift variant.
Genome position (GRCh38, 1-based): chr17:31,223,501, C deleted. VCF-style (leftmost placement, unchanged base first): chr17-31223500-GC-G. GRCh37 (hg19) VCF-style: chr17-29550518-GC-G.
Other names: c.1779delC, p.Ser593Argfs (NM_000267.4); short protein forms S593fs.
Identifiers: ClinVar variation 3664877 (VCV003664877.3).
Genomic context (GRCh38, chr17:31,223,500, plus strand): 5'-GCAGCTCACAAATGCTTTTTTACATCTGCAAGAAATTAACTAGTCATCAAATGCTTAGTA[GC>G]ACAGAAATTCTCAAGTGGTTGCGGGAAATATTGATCTGCAGGAATAAATTTCTTCTTAAA-3'

ClinVar aggregate classification (germline): Pathogenic/Likely pathogenic. Review status: criteria provided, multiple submitters, no conflicts (2 of 4 stars). 2 submissions from 2 submitters: Pathogenic (1); Likely pathogenic (1). Last evaluated 2025-05-22.

Conditions:
Neurofibromatosis, type 1 (NF1). Also called: VON RECKLINGHAUSEN DISEASE; NEUROFIBROMATOSIS, TYPE I, SOMATIC; Neurofibromatosis, type I; Peripheral type neurofibromatosis. Identifiers: Orphanet 636, MedGen C0027831, MONDO:0018975, OMIM 162200. Disease mechanism: loss of function.

Submissions (2):

Labcorp Genetics (formerly Invitae), Labcorp
Classification: Pathogenic for Neurofibromatosis, type 1. Last evaluated: 2025-05-22. Review status: criteria provided, single submitter. Criteria: Invitae Variant Classification Sherloc (09022015). Collection method: clinical testing. Allele origin: germline.
Comment: This sequence change creates a premature translational stop signal (p.Ser593Argfs*12) in the NF1 gene. It is expected to result in an absent or disrupted protein product. Loss-of-function variants in NF1 are known to be pathogenic (PMID: 10712197, 23913538). This variant is not present in population databases (gnomAD no frequency). This variant has not been reported in the literature in individuals affected with NF1-related conditions. ClinVar contains an entry for this variant (Variation ID: 3664877). Algorithms developed to predict the effect of sequence changes on RNA splicing suggest that this variant may disrupt the consensus splice site. For these reasons, this variant has been classified as Pathogenic.

Quest Diagnostics Nichols Institute San Juan Capistrano
Classification: Likely pathogenic. Last evaluated: 2025-03-26. Review status: criteria provided, single submitter. Criteria: Quest Diagnostics criteria. Collection method: clinical testing. Allele origin: unknown.
Comment: The NF1 c.1779del (p.Ser593Argfs*12) variant alters the translational reading frame of the NF1 mRNA and is predicted to cause the premature termination of NF1 protein synthesis. This variant has not been reported in individuals with NF1-related conditions in the published literature. This variant has not been reported in large, multi-ethnic general populations (Genome Aggregation Database). Based on the available information, this variant is classified as likely pathogenic.

Literature cited by the submitters: PubMed 10712197 (cited by Labcorp Genetics (formerly Invitae), Labcorp); PubMed 23913538 (cited by Labcorp Genetics (formerly Invitae), Labcorp).